The following is an entry in ClinVar:

ClinVar aggregate classification (germline): Uncertain significance (1 of 4 stars; one submission).

Submission:

GeneDx
Classification: Uncertain significance. Last evaluated: 2017-05-09. Review status: criteria provided, single submitter. Criteria: GeneDx Variant Classification (06012015). Collection method: clinical testing. Allele origin: germline. Affected: yes.
Comment: The G524D variant in the RLIM gene has not been reported previously as a pathogenic variant, nor as a benign variant, to our knowledge. The G524D variant is not observed in large population cohorts (Lek et al., 2016; 1000 Genomes Consortium et al., 2015; Exome Variant Server). The G524D variant is a non-conservative amino acid substitution, which is likely to impact secondary protein structure as these residues differ in polarity, charge, size and/or other properties. This substitution occurs at a position that is conserved in mammals, and in silico analysis predicts this variant is probably damaging to the protein structure/function. We interpret G524D as a variant of uncertain significance.

NM_016120.4(RLIM):c.1571G>A (p.Gly524Asp)

Gene: RLIM (ring finger protein, LIM domain interacting; minus strand). Cytogenetic location: Xq13.2.
Variant type: single nucleotide variant.
Coding change: c.1571G>A on transcript NM_016120.4 (MANE Select); coding-DNA position 1571, G replaced by A.
Protein change: p.Gly524Asp; replaces glycine 524 with aspartic acid.
Molecular consequence: missense variant.
Genome position (GRCh38, 1-based): chrX:74,591,744, C>T on the plus strand (G>A on the coding strand, the complement: RLIM is on the minus strand). VCF-style: chrX-74591744-C-T. GRCh37 (hg19) VCF-style: chrX-73811579-C-T.
Other names: c.1571G>A, p.Gly524Asp (NM_183353.3); short protein forms G524D.
Identifiers: ClinVar variation 429476 (VCV000429476.2), dbSNP rs1131691403, ClinGen allele CA413659872.